The following is an entry in ClinVar:

ClinVar aggregate classification (germline): Benign/Likely benign. Review status: criteria provided, multiple submitters, no conflicts (2 of 4 stars). 3 submissions from 3 submitters: Benign (1); Likely benign (1). 1 of the submissions does not count toward it. Last evaluated 2026-01-07.

Conditions:
LAMA5-related disorder. Also called: LAMA5-Related Disorders; LAMA5-related condition.

Allele frequency attached by ClinVar (database versions not stated): gnomAD exomes 0.00016 and 0.00084; gnomAD 0.00030 and 0.00041; TOPMed 0.00036; ExAC 0.00075; 1000 Genomes Project 30x 0.00359; 1000 Genomes Project 0.00379.
gnomAD v4.1: 334 of 1,610,734 alleles (0.021%); highest among the groups gnomAD compares: East Asian, 0.63%; 4 homozygotes.

Submissions (3):

Labcorp Genetics (formerly Invitae), Labcorp
Classification: Benign. Last evaluated: 2026-01-07. Review status: criteria provided, single submitter. Criteria: Invitae Variant Classification Sherloc (09022015). Collection method: clinical testing. Allele origin: germline.

Blueprint Genetics
Classification: Likely benign. Last evaluated: 2024-11-05. Review status: criteria provided, single submitter. Criteria: ACMG Guidelines, 2015. Collection method: clinical testing. Allele origin: germline.

PreventionGenetics, part of Exact Sciences
Classification: Benign for LAMA5-related condition. Last evaluated: 2021-11-04. Review status: no assertion criteria provided. Collection method: clinical testing. Allele origin: germline. Not counted in ClinVar's aggregate classification.
Comment: This variant is classified as benign based on ACMG/AMP sequence variant interpretation guidelines (Richards et al. 2015 PMID: 25741868, with internal and published modifications).

NM_005560.6(LAMA5):c.1541G>A (p.Arg514His)

Gene: LAMA5 (laminin subunit alpha 5; minus strand). Cytogenetic location: 20q13.33.
Variant type: single nucleotide variant.
Coding change: c.1541G>A on transcript NM_005560.6 (MANE Select); coding-DNA position 1541, G replaced by A.
Protein change: p.Arg514His; replaces arginine 514 with histidine.
Molecular consequence: missense variant.
Genome position (GRCh38, 1-based): chr20:62,338,545, C>T on the plus strand (G>A on the coding strand, the complement: LAMA5 is on the minus strand). VCF-style: chr20-62338545-C-T. GRCh37 (hg19) VCF-style: chr20-60913601-C-T.
Other names: short protein forms R514H.
Identifiers: ClinVar variation 744989 (VCV000744989.12), dbSNP rs181980340, ClinGen allele CA9943871.